The following continues an entry in ClinVar:

NM_000038.6(APC):c.147_150del (p.Lys49fs)

Gene: APC. ClinVar aggregate classification (germline): Pathogenic. Pathogenic (9). ClinVar aggregate classification (oncogenicity): Likely oncogenic.

Submissions 10 to 13 of 13:

Quest Diagnostics Nichols Institute San Juan Capistrano
Classification: Pathogenic. Last evaluated: 2021-07-23. Review status: criteria provided, single submitter. Criteria: Quest Diagnostics criteria. Collection method: clinical testing. Allele origin: unknown.
Comment: This frameshift variant causes the premature termination of APC protein synthesis. In addition, it has been reported in individuals with colon polyps, attenuated adenomatous polyposis (AFAP) and familial adenomatous polyposis (FAP) in the published literature (PMID: 19531215 (2009), 20924072 (2011), 23159591 (2013), 26681312 (2015), 31285513 (2019)). Therefore, the variant is classified as pathogenic.

Laboratory for Genotyping Development, RIKEN
Classification: Pathogenic for Gastric cancer. Last evaluated: 2021-07-01. Review status: no assertion criteria provided. Collection method: research. Allele origin: germline. Not counted in ClinVar's aggregate classification.

Molecular Oncology Laboratory, Hospital Clínico San Carlos
Classification: Pathogenic for Familial adenomatous polyposis 1. Last evaluated: 2018-06-01. Review status: no assertion criteria provided. Criteria: ACMG Guidelines, 2015. Collection method: clinical testing. Allele origin: germline. Inheritance: Autosomal dominant inheritance. Affected: yes. Not counted in ClinVar's aggregate classification.

Department of Pathology and Laboratory Medicine, Sinai Health System
Classification: Pathogenic for Carcinoma of colon. Review status: no assertion criteria provided. Collection method: clinical testing. Allele origin: unknown. Affected: yes. Observed: 1 variant allele. Study: The Canadian Open Genetics Repository (COGR). Not counted in ClinVar's aggregate classification.
Comment: The APC p.Lys49AsnfsX20 variant was identified in 2 of 436 proband chromosomes (frequency: 0.005) from individuals or families with FAP (Gomez-Fernandez 2009, Rivera 2011). The variant was also identified in HGMD, InSiGHT Colon Cancer Gene Variant Database, the ClinVar database (classified as a pathogenic variant by the Ambry Genetics), GeneInsight VariantWire database (1X, classified as â€šÃ„Ãºpathogenicâ€šÃ„Ã¹ by a clinical laboratory), and UMD (12X).The p.Lys49AsnfsX20 deletion variant is predicted to cause a frameshift, which alters the protein's amino acid sequence beginning at codon 49 and leads to a premature stop codon 20 codons downstream. This alteration is then predicted to result in a truncated or absent protein and loss of function. Loss of function variants of the APC gene are an established mechanism of disease in familial adenomatous polyposis and is the type of variant expected to cause the disorder. This alteration would typically be predicted to result in a truncated or absent protein and loss of function; however, one study has demonstrated that for APC mutations closer to the 5â€šÃ„Ã´ terminus, an internal ribosome entry site is utilized to initiate translation at codon 184, resulting in a partially functional N-terminally truncated protein, which results in an attenuated phenotype (Heppner Goss 2002). In summary, based on the above information, this variant meets our laboratoryâ€šÃ„Ã´s criteria to be classified as pathogenic.

Literature cited by the submitters: PubMed 17963004 (cited by Labcorp Genetics (formerly Invitae), Labcorp); PubMed 20685668 (cited by Labcorp Genetics (formerly Invitae), Labcorp); PubMed 19531215 (cited by 5 submitters); PubMed 20924072 (cited by 5 submitters); PubMed 26681312 (cited by 6 submitters); PubMed 34352208 (cited by Center for Genomic Medicine, Rigshospitalet, Copenhagen University Hospital); PubMed 28179481 (cited by Center for Genomic Medicine, Rigshospitalet, Copenhagen University Hospital); PubMed 9585611 (cited by All of Us Research Program, National Institutes of Health); PubMed 11257105 (cited by All of Us Research Program, National Institutes of Health); PubMed 23159591 (cited by 3 submitters); PubMed 26446593 (cited by All of Us Research Program, National Institutes of Health); PubMed 31285513 (cited by 4 submitters); PubMed 31591141 (cited by All of Us Research Program, National Institutes of Health); PubMed 33769591 (cited by All of Us Research Program, National Institutes of Health); PubMed 28152038 (cited by Quest Diagnostics Nichols Institute San Juan Capistrano); PubMed 36988593 (cited by Laboratory for Genotyping Development, RIKEN).